The following is an entry in ClinVar:

NM_001037.5(SCN1B):c.590+16G>A

Gene: SCN1B (sodium voltage-gated channel beta subunit 1; plus strand). Cytogenetic location: 19q13.11.
Variant type: single nucleotide variant.
Coding change: c.590+16G>A on transcript NM_001037.5 (MANE Select); 16 bases into the intron after coding-DNA position 590, G replaced by A.
Molecular consequence: intron variant.
Genome position (GRCh38, 1-based): chr19:35,039,274, G>A. VCF-style: chr19-35039274-G-A. GRCh37 (hg19) VCF-style: chr19-35530178-G-A.
Other names: c.491+16G>A (NM_001321605.2).
Identifiers: ClinVar variation 139006 (VCV000139006.11), dbSNP rs201053958, ClinGen allele CA293233.

ClinVar aggregate classification (germline): Benign/Likely benign. Review status: criteria provided, multiple submitters, no conflicts (2 of 4 stars). 4 submissions from 4 submitters: Benign (3); Likely benign (1). Last evaluated 2026-01-06.

Conditions:
Brugada syndrome 5 (BRGDA5). Identifiers: Orphanet 130, Orphanet 871, MedGen C2748541, MONDO:0013015, OMIM 612838.

Allele frequency attached by ClinVar (database versions not stated): TOPMed 0.00034; gnomAD 0.00041 and 0.00036; ExAC 0.00068; 1000 Genomes Project 30x 0.00156; 1000 Genomes Project 0.00180; gnomAD exomes 0.00019 and 0.00085.
gnomAD v4.1: 394 of 1,610,524 alleles (0.024%); highest among the groups gnomAD compares: East Asian, 0.72%; no homozygotes.

Submissions (4):

Labcorp Genetics (formerly Invitae), Labcorp
Classification: Benign for Brugada syndrome 5. Last evaluated: 2026-01-06. Review status: criteria provided, single submitter. Criteria: Invitae Variant Classification Sherloc (09022015). Collection method: clinical testing. Allele origin: germline.

Blueprint Genetics
Classification: Likely benign. Last evaluated: 2024-11-25. Review status: criteria provided, single submitter. Criteria: ACMG Guidelines, 2015. Collection method: clinical testing. Allele origin: germline.

GeneDx
Classification: Benign. Last evaluated: 2013-11-06. Review status: criteria provided, single submitter. Criteria: GeneDx Variant Classification (06012015). Collection method: clinical testing. Allele origin: germline. Affected: yes.
Comment: This variant is considered likely benign or benign based on one or more of the following criteria: it is a conservative change, it occurs at a poorly conserved position in the protein, it is predicted to be benign by multiple in silico algorithms, and/or has population frequency not consistent with disease.

Breakthrough Genomics
Classification: Benign. Review status: criteria provided, single submitter. Criteria: ACMG Guidelines, 2015. Collection method: not provided. Allele origin: germline. Inheritance: Autosomal recessive inheritance. Affected: yes.